The following is an entry in ClinVar:

NM_000179.3(MSH6):c.2570A>G (p.Asp857Gly)

Gene: MSH6 (mutS homolog 6; plus strand). Cytogenetic location: 2p16.3.
Variant type: single nucleotide variant.
Coding change: c.2570A>G on transcript NM_000179.3 (MANE Select); coding-DNA position 2570, A replaced by G.
Protein change: p.Asp857Gly; replaces aspartic acid 857 with glycine.
Molecular consequence: missense variant.
Genome position (GRCh38, 1-based): chr2:47,800,553, A>G. VCF-style: chr2-47800553-A-G. GRCh37 (hg19) VCF-style: chr2-48027692-A-G.
Other names: c.2180A>G, p.Asp727Gly (NM_001281492.2); c.1664A>G, p.Asp555Gly (NM_001281493.2, NM_001281494.2); short protein forms D555G, D727G, D857G.
Identifiers: ClinVar variation 657525 (VCV000657525.15), dbSNP rs758176077, ClinGen allele CA069204.

ClinVar aggregate classification (germline): Conflicting classifications of pathogenicity. Review status: criteria provided, conflicting classifications (1 of 4 stars). 3 submissions from 3 submitters: Uncertain significance (2); Likely benign (1). Last evaluated 2025-12-20.

Conditions:
Hereditary nonpolyposis colorectal neoplasms. Identifiers: MedGen C0009405, MeSH D003123.
Lynch syndrome 5 (LYNCH5). Also called: Hereditary non-polyposis colorectal cancer, type 5; Colorectal cancer, hereditary nonpolyposis, type 5. Identifiers: Orphanet 144, MedGen C1833477, MONDO:0013710, OMIM 614350. Disease mechanism: loss of function.
Hereditary cancer-predisposing syndrome. Also called: Hereditary neoplastic syndrome; Neoplastic Syndromes, Hereditary; Hereditary Cancer Syndrome; Tumor predisposition. Identifiers: Orphanet 140162, MedGen C0027672, MeSH D009386, MONDO:0015356.

Allele frequency attached by ClinVar (database versions not stated): gnomAD exomes below 0.00001; TOPMed below 0.00001; ExAC 0.00001.

Submissions (3):

Labcorp Genetics (formerly Invitae), Labcorp
Classification: Likely benign for Hereditary nonpolyposis colorectal neoplasms. Last evaluated: 2025-12-20. Review status: criteria provided, single submitter. Criteria: Invitae Variant Classification Sherloc (09022015). Collection method: clinical testing. Allele origin: germline.

Ambry Genetics
Classification: Uncertain significance for Hereditary cancer-predisposing syndrome. Last evaluated: 2025-03-31. Review status: criteria provided, single submitter. Criteria: Ambry Variant Classification Scheme 2023. Collection method: clinical testing. Allele origin: germline.
Comment: The p.D857G variant (also known as c.2570A>G), located in coding exon 4 of the MSH6 gene, results from an A to G substitution at nucleotide position 2570. The aspartic acid at codon 857 is replaced by glycine, an amino acid with similar properties. This amino acid position is highly conserved in available vertebrate species. In addition, this alteration is predicted to be deleterious by in silico analysis. Based on the available evidence, the clinical significance of this variant remains unclear.

KCCC/NGS Laboratory, Kuwait Cancer Control Center
Classification: Uncertain significance for Lynch syndrome 5. Last evaluated: 2023-07-07. Review status: criteria provided, single submitter. Criteria: ACMG Guidelines, 2015. Collection method: clinical testing. Allele origin: unknown. Affected: yes.
Comment: This sequence change replaces aspartic acid with glycine at codon 857 of the MSH6 protein (p.Asp857Gly). This variant is not found in gnomAD genomes. In-silico predictions show pathogenic computational verdict based on 10 pathogenic predictions from BayesDel_addAF, DANN, DEOGEN2, EIGEN, FATHMM-MKL, LIST-S2, M-CAP, MVP, MutationAssessor and MutationTaster vs 2 benign predictions from PrimateAI and SIFT. The aspartic acid residue is highly conserved and there is a moderate physicochemical difference between aspartic acid and glycine. This variant has not been reported in the literature in individuals with MSH6-related conditions. Therefore, it has been classified as a Variant of Uncertain Significance.